The following is an entry in ClinVar:

NM_000152.5(GAA):c.896T>C (p.Leu299Pro)

Gene: GAA (alpha glucosidase; plus strand). Cytogenetic location: 17q25.3.
Variant type: single nucleotide variant.
Coding change: c.896T>C on transcript NM_000152.5 (MANE Select); coding-DNA position 896, T replaced by C.
Protein change: p.Leu299Pro; replaces leucine 299 with proline.
Molecular consequence: missense variant.
Genome position (GRCh38, 1-based): chr17:80,107,837, T>C. VCF-style: chr17-80107837-T-C. GRCh37 (hg19) VCF-style: chr17-78081636-T-C.
Other names: p.299L>P; NM_000152.5(GAA):c.896T>C; p.Leu299Pro; c.896T>C (LRG_673t1); c.896T>C, p.Leu299Pro (NM_001079803.3, NM_001079804.3); short protein forms L299P.
Identifiers: ClinVar variation 180144 (VCV000180144.56), dbSNP rs121907940, ClinGen allele CA273686.

ClinVar aggregate classification (germline): Pathogenic. Review status: reviewed by expert panel (3 of 4 stars). 10 submissions from 10 submitters: Pathogenic (1). 9 of the submissions do not count toward it. Last evaluated 2022-05-11.

Conditions:
Glycogen storage disease, type II (IOPD). Also called: Glucosidase acid-1,4-alpha deficiency; CARDIOMEGALIA GLYCOGENICA DIFFUSA; GLYCOGENOSIS, GENERALIZED, CARDIAC FORM; GSD II; Pompe Disease; Glycogen storage disease type 2. Identifiers: Orphanet 365, MedGen C0017921, MONDO:0009290, OMIM 232300.

Allele frequency attached by ClinVar (database versions not stated): gnomAD exomes below 0.00001; TOPMed 0.00001.
gnomAD v4.1: 6 of 1,612,198 alleles (0.00037%); highest among the groups gnomAD compares: Non-Finnish European, 0.00051%; no homozygotes.

Submissions (10):

ClinGen Lysosomal Storage Disorder Variant Curation Expert Panel
Classification: Pathogenic for Glycogen storage disease, type II. Last evaluated: 2022-05-11. Review status: reviewed by expert panel. Criteria: clingen_lsd_acmg_specifications_v2-1. Collection method: curation. Allele origin: germline. Inheritance: Autosomal recessive inheritance.
Comment: The NM_000152.5:c.896T>C variant in GAA is a missense variant predicted to cause substitution of Leucine by Proline at amino acid 299 (p.Leu299Pro). At least 4 individuals have been reported with this variant and either diagnosis of Pompe disease with ERT treatment or GAA activity <10% normal in lymphocytes/leukocytes/muscle samples/unknown tissue (PMIDs 26622091, 26873529, 25626711,29422078). Another patient was homozygous for this variant and identified by newborn screening for Pompe disease (PMID: 22133539). This meets the criteria for PP4_Moderate. This variant has been detected in at least 7 individuals with Pompe disease or identified by newborn screening for Pompe disease. Of those individuals, 4 were compound heterozygous for the variant and a pathogenic variant, c.-32-13T>G (PMID:18757064, 26622091, 26873529). At least 1 individual was homozygous for the variant (PMID: 22133539,25626711). Criteria for PM3 were met. This variant is absent in gnomAD v2.1.1 (PM2_Supporting). Expression of the variant in COS cells resulted in 0% wild type GAA activity and evidence of abnormal synthesis and processing on Western blots leading the variant to be described as Class B (“potentially less severe”, indicating that this variant may impact protein function (PMID:18425781)(PS3). REVEL Score = 0.952 which is higher than the LSD VCEP threshold for PP3 (>0.7) and therefore meets this criterion. There is a ClinVar entry for this variant (Variation ID: 180144, 2 star review status) with 5 submitters classifying the variant as Pathogenic. In summary, this variant meets the criteria to be classified as Pathogenic for Pompe disease based on the ACMG/AMP criteria applied, as specified by the ClinGen Lysosomal Storage Disorders Variant Curation Expert panel (specifications Version 2.0): PS3, PP4_Moderate, PM3, PM2_Supporting, PP3

Genomenon, Inc
Classification: Pathogenic for Glycogen storage disease, type II. Last evaluated: 2026-07-01. Review status: criteria provided, single submitter. Criteria: Genomenon Sequence Variant Interpretation Standards - Updated. Collection method: curation. Allele origin: germline. Affected: yes. Not counted in ClinVar's aggregate classification.
Comment: GAA p.Leu299Pro (c.896T>C) is a missense variant that changes the amino acid at codon 299 from Leucine to Proline. This variant has been observed in at least one proband with a GAA-related disorder in the compound heterozygous and/or homozygous state (PMID:39731073;38043017;37087815;35705384;34501319;33101984;30678746;29422078). At least one functional study has demonstrated a substantial alteration in protein function relative to the wild-type (PMID:18425781). It is absent or not present at a significant frequency in gnomAD. In silico models predict that this variant is possibly or probably damaging. In conclusion, we classify GAA p.Leu299Pro (c.896T>C) as a pathogenic variant.

Baylor Genetics
Classification: Pathogenic for Glycogen storage disease, type II. Last evaluated: 2024-03-25. Review status: criteria provided, single submitter. Criteria: ACMG Guidelines, 2015. Collection method: clinical testing. Allele origin: unknown. Not counted in ClinVar's aggregate classification.

Labcorp Genetics (formerly Invitae), Labcorp
Classification: Pathogenic for Glycogen storage disease, type II. Last evaluated: 2023-05-26. Review status: criteria provided, single submitter. Criteria: Invitae Variant Classification Sherloc (09022015). Collection method: clinical testing. Allele origin: germline. Not counted in ClinVar's aggregate classification.
Comment: This sequence change replaces leucine, which is neutral and non-polar, with proline, which is neutral and non-polar, at codon 299 of the GAA protein (p.Leu299Pro). This variant is not present in population databases (gnomAD no frequency). This missense change has been observed in individuals with clinical features of Pompe disease (PMID: 25752415, 29422078). ClinVar contains an entry for this variant (Variation ID: 180144). Advanced modeling of protein sequence and biophysical properties (such as structural, functional, and spatial information, amino acid conservation, physicochemical variation, residue mobility, and thermodynamic stability) performed at Invitae indicates that this missense variant is expected to disrupt GAA protein function. Experimental studies have shown that this missense change affects GAA function (PMID: 18425781). This variant disrupts the p.Leu299 amino acid residue in GAA. Other variant(s) that disrupt this residue have been determined to be pathogenic (PMID: 7717400; Invitae). This suggests that this residue is clinically significant, and that variants that disrupt this residue are likely to be disease-causing. For these reasons, this variant has been classified as Pathogenic.

Revvity Omics, Revvity
Classification: Pathogenic. Last evaluated: 2022-07-22. Review status: criteria provided, single submitter. Criteria: ACMG Guidelines, 2015. Collection method: clinical testing. Allele origin: germline. Not counted in ClinVar's aggregate classification.

Kariminejad - Najmabadi Pathology & Genetics Center
Classification: Likely pathogenic for Glycogen storage disease, type II. Last evaluated: 2022-03-01. Review status: criteria provided, single submitter. Criteria: ACMG Guidelines, 2015. Collection method: clinical testing. Allele origin: germline. Inheritance: Autosomal recessive inheritance. Affected: yes. Not counted in ClinVar's aggregate classification.
Comment: PM2, PM1, PP3, PP5

CeGaT Center for Human Genetics Tuebingen
Classification: Pathogenic. Last evaluated: 2020-09-01. Review status: criteria provided, single submitter. Criteria: CeGaT Center For Human Genetics Tuebingen Variant Classification Criteria Version 2. Collection method: clinical testing. Allele origin: germline. Affected: yes. Observed: 2 variant alleles. Not counted in ClinVar's aggregate classification.

Genomic Research Center, Shahid Beheshti University of Medical Sciences
Classification: Pathogenic for Glycogen storage disease, type II. Last evaluated: 2018-03-05. Review status: criteria provided, single submitter. Criteria: ACMG Guidelines, 2015. Collection method: clinical testing. Allele origin: inherited. Affected: yes. Observed: 1 variant allele. Not counted in ClinVar's aggregate classification.

Medical Genetic Department, Shiraz University Of Medical Science
Classification: Pathogenic for Glycogen storage disease, type II. Review status: no assertion criteria provided. Collection method: clinical testing. Allele origin: germline. Affected: no. Not counted in ClinVar's aggregate classification.

Pathology and Clinical Laboratory Medicine, King Fahad Medical City
Classification: Pathogenic for Glycogen storage disease, type II. Review status: no assertion criteria provided. Criteria: ACMG Guidelines, 2015. Collection method: clinical testing. Allele origin: germline. Affected: yes. Not counted in ClinVar's aggregate classification.

Literature cited by the submitters: PubMed 39731073 (cited by Genomenon, Inc); PubMed 38043017 (cited by Genomenon, Inc); PubMed 37087815 (cited by Genomenon, Inc); PubMed 35705384 (cited by Genomenon, Inc); PubMed 34501319 (cited by Genomenon, Inc); PubMed 33101984 (cited by Genomenon, Inc); PubMed 30678746 (cited by Genomenon, Inc); PubMed 29422078 (cited by Genomenon, Inc and Labcorp Genetics (formerly Invitae), Labcorp); PubMed 18425781 (cited by Genomenon, Inc and Labcorp Genetics (formerly Invitae), Labcorp); PubMed 25752415 (cited by Labcorp Genetics (formerly Invitae), Labcorp); PubMed 7717400 (cited by Labcorp Genetics (formerly Invitae), Labcorp).